The following is an entry in ClinVar:

ClinVar aggregate classification (germline): Uncertain significance (1 of 4 stars; one submission).

Submission:

GeneDx
Classification: Uncertain significance. Last evaluated: 2023-07-25. Review status: criteria provided, single submitter. Criteria: GeneDx Variant Classification Process June 2021. Collection method: clinical testing. Allele origin: germline. Affected: yes.
Comment: Not observed at significant frequency in large population cohorts (gnomAD); In silico analysis supports that this missense variant does not alter protein structure/function; Has not been previously published as pathogenic or benign to our knowledge

NM_031407.7(HUWE1):c.7780A>G (p.Ser2594Gly)

Gene: HUWE1 (HECT, UBA and WWE domain containing E3 ubiquitin protein ligase 1; minus strand). Cytogenetic location: Xp11.22.
Variant type: single nucleotide variant.
Coding change: c.7780A>G on transcript NM_031407.7 (MANE Select); coding-DNA position 7780, A replaced by G.
Protein change: p.Ser2594Gly; replaces serine 2594 with glycine.
Molecular consequence: missense variant.
Genome position (GRCh38, 1-based): chrX:53,559,489, T>C on the plus strand (A>G on the coding strand, the complement: HUWE1 is on the minus strand). VCF-style: chrX-53559489-T-C. GRCh37 (hg19) VCF-style: chrX-53586450-T-C.
Other names: short protein forms S2594G.
Identifiers: ClinVar variation 3361381 (VCV003361381.1).